The following is an entry in ClinVar:

ClinVar aggregate classification (germline): Uncertain significance (1 of 4 stars; one submission).

Conditions:
PLXNA2-related disorder. Also called: PLXNA2-related condition.

Allele frequency attached by ClinVar (database versions not stated): ESP Exome Variant Server 0.00015; ExAC 0.00003; gnomAD 0.00003; TOPMed 0.00003.
gnomAD v4.1: 34 of 1,613,540 alleles (0.0021%); highest among the groups gnomAD compares: African/African-American, 0.0027%; no homozygotes.

Submission:

PreventionGenetics, part of Exact Sciences
Classification: Uncertain significance for PLXNA2-related condition. Last evaluated: 2026-06-18. Review status: criteria provided, single submitter. Criteria: ACMG Guidelines, 2015. Collection method: clinical testing. Allele origin: germline.
Comment: The PLXNA2 c.5633G>A variant is predicted to result in the amino acid substitution p.Arg1878Gln. To our knowledge, this variant has not been reported in the literature. This variant is reported in 0.0080% of alleles in individuals of African descent in gnomAD. At this time, the clinical significance of this variant is uncertain due to the absence of conclusive functional and genetic evidence.

NM_025179.4(PLXNA2):c.5633G>A (p.Arg1878Gln)

Gene: PLXNA2 (plexin A2; minus strand). Cytogenetic location: 1q32.2.
Variant type: single nucleotide variant.
Coding change: c.5633G>A on transcript NM_025179.4 (MANE Select); coding-DNA position 5633, G replaced by A.
Protein change: p.Arg1878Gln; replaces arginine 1878 with glutamine.
Molecular consequence: missense variant.
Genome position (GRCh38, 1-based): chr1:208,027,295, C>T on the plus strand (G>A on the coding strand, the complement: PLXNA2 is on the minus strand). VCF-style: chr1-208027295-C-T. GRCh37 (hg19) VCF-style: chr1-208200640-C-T.
Other names: short protein forms R1878Q.
Identifiers: ClinVar variation 3039111 (VCV003039111.3), dbSNP rs146958450, ClinGen allele CA1372502.